The following is an entry in ClinVar:

ClinVar aggregate classification (germline): Uncertain significance. Review status: criteria provided, multiple submitters, no conflicts (2 of 4 stars). 2 submissions from 2 submitters: Uncertain significance (2). Last evaluated 2025-12-30.

Conditions:
Hereditary cancer-predisposing syndrome. Also called: Neoplastic Syndromes, Hereditary; Hereditary Cancer Syndrome; Tumor predisposition; Hereditary neoplastic syndrome. Identifiers: Orphanet 140162, MedGen C0027672, MeSH D009386, MONDO:0015356.

Allele frequency attached by ClinVar (database versions not stated): gnomAD exomes below 0.00001 and 0.00001; ExAC 0.00003.
gnomAD v4.1: 4 of 1,613,372 alleles (0.00025%); highest among the groups gnomAD compares: South Asian, 0.0011%; no homozygotes.

Submissions (2):

Labcorp Genetics (formerly Invitae), Labcorp
Classification: Uncertain significance. Last evaluated: 2025-12-30. Review status: criteria provided, single submitter. Criteria: Invitae Variant Classification Sherloc (09022015). Collection method: clinical testing. Allele origin: germline.
Comment: This sequence change replaces proline, which is neutral and non-polar, with serine, which is neutral and polar, at codon 54 of the HOXB13 protein (p.Pro54Ser). This variant is present in population databases (rs769074510, gnomAD 0.003%). This variant has not been reported in the literature in individuals affected with HOXB13-related conditions. ClinVar contains an entry for this variant (Variation ID: 853181). An algorithm developed to predict the effect of missense changes on protein structure and function (PolyPhen-2) suggests that this variant is likely to be disruptive. In summary, the available evidence is currently insufficient to determine the role of this variant in disease. Therefore, it has been classified as a Variant of Uncertain Significance.

Ambry Genetics
Classification: Uncertain significance for Hereditary cancer-predisposing syndrome. Last evaluated: 2025-08-09. Review status: criteria provided, single submitter. Criteria: Ambry Variant Classification Scheme 2023. Collection method: clinical testing. Allele origin: germline.
Comment: The p.P54S variant (also known as c.160C>T), located in coding exon 1 of the HOXB13 gene, results from a C to T substitution at nucleotide position 160. The proline at codon 54 is replaced by serine, an amino acid with similar properties. This amino acid position is not well conserved in available vertebrate species. In addition, this alteration is predicted to be tolerated by in silico analysis. Since supporting evidence is limited at this time, the clinical significance of this alteration remains unclear.

Literature cited by the submitters: PubMed 28272408 (cited by Ambry Genetics).

NM_006361.6(HOXB13):c.160C>T (p.Pro54Ser)

Gene: HOXB13 (homeobox B13; minus strand). Cytogenetic location: 17q21.32.
Variant type: single nucleotide variant.
Coding change: c.160C>T on transcript NM_006361.6 (MANE Select); coding-DNA position 160, C replaced by T.
Protein change: p.Pro54Ser; replaces proline 54 with serine.
Molecular consequence: missense variant.
Genome position (GRCh38, 1-based): chr17:48,728,434, G>A on the plus strand (C>T on the coding strand, the complement: HOXB13 is on the minus strand). VCF-style: chr17-48728434-G-A. GRCh37 (hg19) VCF-style: chr17-46805796-G-A.
Other names: short protein forms P54S.
Identifiers: ClinVar variation 853181 (VCV000853181.13), dbSNP rs769074510, ClinGen allele CA8634055.